The following is an entry in ClinVar:

NM_000018.4(ACADVL):c.385GAG[1] (p.Glu130del)

Gene: ACADVL (acyl-CoA dehydrogenase very long chain; plus strand). Cytogenetic location: 17p13.1.
Variant type: Microsatellite.
Coding change: c.385GAG[1] on transcript NM_000018.4 (MANE Select); one copy of the 3-base unit GAG starting at c.385; the reference has two copies in a row; one copy, 3 bases deleted; also written c.388_390del.
Protein change: p.Glu130del; deletes glutamic acid 130.
Molecular consequence: inframe deletion.
Genome position (GRCh38, 1-based): chr17:7,220,969-7,220,971, GAG deleted; deleting any 3 consecutive bases within chr17:7,220,965-7,220,971 gives the same sequence; the position shown is the placement nearest the transcript's 3' end. VCF-style (leftmost placement, unchanged base first): chr17-7220964-TGGA-T. GRCh37 (hg19) VCF-style: chr17-7124283-TGGA-T.
Other names: NM_000018.4(ACADVL):c.385GAG[1]; c.388_390del (NM_000018.2, NM_000018.4, NM_000018.3); c.319GAG[1], p.Glu108del (NM_001033859.3); c.454GAG[1], p.Glu153del (NM_001270447.2); c.157GAG[1], p.Glu54del (NM_001270448.2); c.388_390delGAG (NM_000018.2); short protein forms E130del, E54del, E153del, E108del.
Identifiers: ClinVar variation 1626 (VCV000001626.43), dbSNP rs387906251, ClinGen allele CA251904.

ClinVar aggregate classification (germline): Pathogenic. Review status: reviewed by expert panel (3 of 4 stars). 13 submissions from 13 submitters: Pathogenic (1). 12 of the submissions do not count toward it. Last evaluated 2022-01-17.

Conditions:
ACADVL-related disorder. Also called: ACADVL-related condition.
Very long chain acyl-CoA dehydrogenase deficiency (ACADVLD). Also called: VLCAD Deficiency; Very Long-Chain Acyl-Coenzyme A Dehydrogenase Deficiency. Identifiers: Orphanet 26793, MedGen C3887523, MONDO:0008723, OMIM 201475.

Submissions (13):

ClinGen ACADVL Variant Curation Expert Panel, ClinGen
Classification: Pathogenic for Very long chain acyl-CoA dehydrogenase deficiency. Last evaluated: 2022-01-17. Review status: reviewed by expert panel. Criteria: clingen acadvl acmg specifications v1. Collection method: curation. Allele origin: germline. Inheritance: Autosomal recessive inheritance.
Comment: The c.385GAG[1] variant is predicted to cause a change in the length of the protein due to an in-frame deletion of one amino acid in a non-repeat region (p.Glu130del) (PM4). This variant has been detected in at least five individuals with very long chain acyl CoA dehydrogenase (VLCAD) deficiency (PMIDs 8554073, 10431122, 27209629,22847164). Of those individuals, four were compound heterozygous for the variant and a pathogenic or likely pathogenic variant and one of those was confirmed in trans by parental testing (PM3_strong, PMID: 10431122). Several patients with this variant displayed VLCADD (PP4, PMIDs 8554073 , 10431122, 27209629, 22847164 ). Assays, including mRNA/protein expression (in CHO cells), and enzymatic activity demonstrate unstable protein products indicating that this variant impacts protein function (PMID: 8554073 )(PS3). The highest population minor allele frequency in gnomAD v2.1.1 is 0.00002 in European (Non-Finnish) population, which is lower than the ClinGen ACADVL Variant Curation Expert Panel threshold (<0.001) for PM2_Supporting, meeting this criterion (PM2_Supporting). In summary, this variant meets the criteria to be classified as pathogenic for autosomal recessive very long chain acyl-CoA dehydrogenase (VLCAD) deficiency based on the ACMG/AMP criteria applied, as specified by the ClinGen ACADVL Variant Curation Expert Panel: PM4, PM3_strong, PP4, PS3

PreventionGenetics, part of Exact Sciences
Classification: Pathogenic for ACADVL-related condition. Last evaluated: 2026-06-11. Review status: criteria provided, single submitter. Criteria: ACMG Guidelines, 2015. Collection method: clinical testing. Allele origin: germline. Not counted in ClinVar's aggregate classification.
Comment: The ACADVL c.388_390delGAG variant is predicted to result in an in-frame deletion (p.Glu130del). This variant was reported in the homozygous and compound heterozygous state in multiple patients with biochemically confirmed very long chain acyl-CoA dehydrogenase deficiency (examples in Souri et al. 1996. PubMed ID: 8554073; Pena et al. 2016. PubMed ID: 27209629). In vitro functional characterization suggested that this variant is deleterious (Souri et al. 1996. PubMed ID: 8554073). This variant has been classified as pathogenic by the ClinGen ACADVL Variant Curation Expert Panel and the majority of ClinVar submitters (Variation ID: 1626). This variant is reported in 0.014% of alleles in individuals of European (Finnish) descent in gnomAD. This variant is interpreted as pathogenic.

Labcorp Genetics (formerly Invitae), Labcorp
Classification: Pathogenic for Very long chain acyl-CoA dehydrogenase deficiency. Last evaluated: 2024-11-26. Review status: criteria provided, single submitter. Criteria: Invitae Variant Classification Sherloc (09022015). Collection method: clinical testing. Allele origin: germline. Not counted in ClinVar's aggregate classification.
Comment: This variant, c.388_390del, results in the deletion of 1 amino acid(s) of the ACADVL protein (p.Glu130del), but otherwise preserves the integrity of the reading frame. This variant is present in population databases (rs750138126, gnomAD 0.01%). This variant has been observed in individual(s) with very-long-chain acyl-coenzyme A dehydrogenase (VLCAD) Deficiency (PMID: 8554073, 10431122, 22847164, 27209629). In at least one individual the data is consistent with being in trans (on the opposite chromosome) from a pathogenic variant. ClinVar contains an entry for this variant (Variation ID: 1626). Studies have shown that this variant alters ACADVL gene expression (PMID: 8554073). For these reasons, this variant has been classified as Pathogenic.

Blueprint Genetics
Classification: Pathogenic for ACADVL-related disorders. Last evaluated: 2024-11-20. Review status: criteria provided, single submitter. Criteria: ACMG Guidelines, 2015. Collection method: clinical testing. Allele origin: germline. Affected: yes. Observed: 1 variant allele. Not counted in ClinVar's aggregate classification.

GeneDx
Classification: Pathogenic. Last evaluated: 2024-09-20. Review status: criteria provided, single submitter. Criteria: GeneDx Variant Classification Process June 2021. Collection method: clinical testing. Allele origin: germline. Affected: yes. Not counted in ClinVar's aggregate classification.
Comment: Functional studies found that the c.388_390del variant is associated with significantly reduced levels of VLCAD protein and reduced enzyme activity (PMID: 8554073); Not observed at significant frequency in large population cohorts (gnomAD); In-frame deletion of 1 amino acid in a non-repeat region predicted to critically alter the protein; In silico analysis supports a deleterious effect on protein structure/function; This variant is associated with the following publications: (PMID: 22847164, 8554073, 30194637, 27209629, 33150772, 10431122)

Baylor Genetics
Classification: Pathogenic for Very long chain acyl-CoA dehydrogenase deficiency. Last evaluated: 2024-03-12. Review status: criteria provided, single submitter. Criteria: ACMG Guidelines, 2015. Collection method: clinical testing. Allele origin: unknown. Not counted in ClinVar's aggregate classification.

Fulgent Genetics
Classification: Pathogenic for Very long chain acyl-CoA dehydrogenase deficiency. Last evaluated: 2022-03-31. Review status: criteria provided, single submitter. Criteria: ACMG Guidelines, 2015. Collection method: clinical testing. Allele origin: unknown. Not counted in ClinVar's aggregate classification.

Wong Mito Lab, Molecular and Human Genetics, Baylor College of Medicine
Classification: Pathogenic for Very long chain acyl-CoA dehydrogenase deficiency. Last evaluated: 2019-11-01. Review status: criteria provided, single submitter. Criteria: ACMG Guidelines, 2015. Collection method: clinical testing. Allele origin: germline. Not counted in ClinVar's aggregate classification.
Comment: The NM_000018.3:c.388_390delGAG (NP_000009.1:p.Glu130del) [GRCH38: NC_000017.11:g.7220969_7220971delGAG] variant in ACADVL gene is interpretated to be Pathogenic based on ACMG guidelines (PMID: 25741868). This variant has been reported in PMID: 8554073; 10431122. This variant meets the following evidence codes reported in the ACMG guidelines: PS1, PS3

Women's Health and Genetics/Laboratory Corporation of America, LabCorp
Classification: Pathogenic for Very long chain acyl-CoA dehydrogenase deficiency. Last evaluated: 2019-04-26. Review status: criteria provided, single submitter. Criteria: LabCorp Variant Classification Summary - May 2015. Collection method: clinical testing. Allele origin: germline. Not counted in ClinVar's aggregate classification.
Comment: Variant summary: ACADVL c.388_390delGAG (p.Glu130del) results in an in-frame deletion that is predicted to remove one of two glutamate residues in codon 388-390. The variant allele was found at a frequency of 2e-05 in 251410 control chromosomes (gnomAD). The variant, c.388_390delGAG, has been reported in the literature in multiple individuals affected with Very Long Chain Acyl-CoA Dehydrogenase Deficiency (Souri_1996, Hahn_1999, Siu_2012, Miller_2015, Pena_2016). These data indicate that the variant is very likely to be associated with disease. One paper reports this variant retain less than 10% of enzyme activity compared to WT (Souri_1996). One clinical diagnostic laboratory has submitted clinical-significance assessments for this variant to ClinVar after 2014 without evidence for independent evaluation and classified the variant as pathogenic. Based on the evidence outlined above, the variant was classified as pathogenic.

ARUP Laboratories, Molecular Genetics and Genomics, ARUP Laboratories
Classification: Pathogenic for Very long chain acyl-CoA dehydrogenase deficiency. Last evaluated: 2019-04-19. Review status: criteria provided, single submitter. Criteria: ARUP Molecular Germline Variant Investigation Process. Collection method: clinical testing. Allele origin: germline. Not counted in ClinVar's aggregate classification.
Comment: The ACADVL c.388_390delGAG; p.Glu130del variant (rs387906251) is reported in the literature in the compound heterozygous state in multiple individuals affected with very long-chain acyl-CoA dehydrogenase deficiency (Hahn 1999, Pena 2016, Siu 2012, Souri 1996). In vitro functional analyses demonstrate production of unstable transcripts and reduced enzyme activity (Souri 1996). This variant is reported as pathogenic or likely pathogenic in ClinVar (Variation ID: 1626), and is only observed on five alleles in the Genome Aggregation Database, indicating it is not a common polymorphism. This variant deletes a single glutamic acid residue leaving the rest of the protein in-frame. Based on available information, this variant is considered to be pathogenic. References: Hahn SH et al. Very long chain acyl coenzyme A dehydrogenase deficiency in a 5-month-old Korean boy: identification of a novel mutation. J Pediatr. 1999 Aug;135(2 Pt 1):250-3. Pena LD et al. Outcomes and genotype-phenotype correlations in 52 individuals with VLCAD deficiency diagnosed by NBS and enrolled in the IBEM-IS database. Mol Genet Metab. 2016 Aug;118(4):272-81. Siu WK et al. Molecular diagnosis for a fatal case of very long-chain acyl-CoA dehydrogenase deficiency in Hong Kong Chinese with a novel mutation: a preventable death by newborn screening. Diagn Mol Pathol. 2012 Sep;21(3):184-7. Souri M et al. Mutation analysis of very-long-chain acyl-coenzyme A dehydrogenase (VLCAD) deficiency: identification and characterization of mutant VLCAD cDNAs from four patients. Am J Hum Genet. 1996 Jan;58(1):97-106.

Natera, Inc.
Classification: Pathogenic for Very long chain acyl-CoA dehydrogenase deficiency. Last evaluated: 2020-08-04. Review status: no assertion criteria provided. Collection method: clinical testing. Allele origin: germline. Not counted in ClinVar's aggregate classification.

Counsyl
Classification: Likely pathogenic for Very long chain acyl-CoA dehydrogenase deficiency. Last evaluated: 2014-08-25. Review status: no assertion criteria provided. Collection method: literature only. Allele origin: unknown. Inheritance: Autosomal recessive inheritance. Not counted in ClinVar's aggregate classification.

OMIM
Classification: Pathogenic for VLCAD DEFICIENCY. Last evaluated: 1996-01-01. Review status: no assertion criteria provided. Collection method: literature only. Allele origin: germline. Not counted in ClinVar's aggregate classification.

Literature cited by the submitters: PubMed 8554073 (cited by 6 submitters); PubMed 10431122 (cited by 3 submitters); PubMed 22847164 (cited by 3 submitters); PubMed 27209629 (cited by Labcorp Genetics (formerly Invitae), Labcorp and Women's Health and Genetics/Laboratory Corporation of America, LabCorp); PubMed 26385305 (cited by Women's Health and Genetics/Laboratory Corporation of America, LabCorp); PubMed 26927351 (cited by Women's Health and Genetics/Laboratory Corporation of America, LabCorp); PubMed 9599005 (cited by Women's Health and Genetics/Laboratory Corporation of America, LabCorp).